The following is an entry in ClinVar:

NM_001365999.1(SZT2):c.4940C>T (p.Ser1647Leu)

Gene: SZT2 (SZT2 subunit of KICSTOR complex; plus strand). Cytogenetic location: 1p34.2.
Variant type: single nucleotide variant.
Coding change: c.4940C>T on transcript NM_001365999.1 (MANE Select); coding-DNA position 4940, C replaced by T.
Protein change: p.Ser1647Leu; replaces serine 1647 with leucine.
Molecular consequence: missense variant.
Genome position (GRCh38, 1-based): chr1:43,431,288, C>T. VCF-style: chr1-43431288-C-T. GRCh37 (hg19) VCF-style: chr1-43896959-C-T.
Other names: c.4769C>T, p.Ser1590Leu (NM_015284.4); short protein forms S1590L, S1647L.
Identifiers: ClinVar variation 1515571 (VCV001515571.8), dbSNP rs2153933979, ClinGen allele CA340023056.
Genomic context (GRCh38, chr1:43,431,288, plus strand): 5'-TAACTCCTGACCTTTGACTTGTTCCCACCCTGTTCAGGTCAACATCTGAAAGCAGTGCTT[C>T]ATTTCCACGATCCCCAGGGCAGCCATCATCTTTAAGGTCAGATGATGGCCTCGGGCCCCC-3'
Protein context (NP_001352928.1, residues 1637-1657): HHRSTSESSA[Ser1647Leu]FPRSPGQPSS

ClinVar aggregate classification (germline): Uncertain significance (1 of 4 stars; one submission).

Submission:

Labcorp Genetics (formerly Invitae), Labcorp
Classification: Uncertain significance. Last evaluated: 2022-08-15. Review status: criteria provided, single submitter. Criteria: Invitae Variant Classification Sherloc (09022015). Collection method: clinical testing. Allele origin: germline.
Comment: In summary, the available evidence is currently insufficient to determine the role of this variant in disease. Therefore, it has been classified as a Variant of Uncertain Significance. Algorithms developed to predict the effect of sequence changes on RNA splicing suggest that this variant may create or strengthen a splice site. Algorithms developed to predict the effect of missense changes on protein structure and function are either unavailable or do not agree on the potential impact of this missense change (SIFT: "Deleterious"; PolyPhen-2: "Probably Damaging"; Align-GVGD: "Class C15"). ClinVar contains an entry for this variant (Variation ID: 1515571). This variant has not been reported in the literature in individuals affected with SZT2-related conditions. This variant is not present in population databases (gnomAD no frequency). This sequence change replaces serine, which is neutral and polar, with leucine, which is neutral and non-polar, at codon 1590 of the SZT2 protein (p.Ser1590Leu).